The following is an entry in ClinVar:

ClinVar aggregate classification (germline): Uncertain significance (1 of 4 stars; one submission).

Submissions (2):

GeneDx
Classification: Uncertain significance. Last evaluated: 2022-08-24. Review status: criteria provided, single submitter. Criteria: GeneDx Variant Classification Process June 2021. Collection method: clinical testing. Allele origin: germline. Affected: yes.
Comment: Not observed at significant frequency in large population cohorts (gnomAD); In silico analysis supports a deleterious effect on splicing; In silico analysis supports that this missense variant does not alter protein structure/function; Has not been previously published as pathogenic or benign to our knowledge

Dr. Peter K. Rogan Lab, Western University
No classification provided (evidence only). Condition: Cervical cancer. Review status: no classification provided. Collection method: in vitro. Allele origin: not applicable. Functional consequence: retained intron. Not counted in ClinVar's aggregate classification.

NM_005121.3(MED13):c.3805G>A (p.Asp1269Asn)

Gene: MED13 (mediator complex subunit 13; minus strand). Cytogenetic location: 17q23.2.
Variant type: single nucleotide variant.
Coding change: c.3805G>A on transcript NM_005121.3 (MANE Select); coding-DNA position 3805, G replaced by A.
Protein change: p.Asp1269Asn; replaces aspartic acid 1269 with asparagine.
Molecular consequence: missense variant.
Genome position (GRCh38, 1-based): chr17:61,982,198, C>T on the plus strand (G>A on the coding strand, the complement: MED13 is on the minus strand). VCF-style: chr17-61982198-C-T. GRCh37 (hg19) VCF-style: chr17-60059559-C-T.
Other names: NC_000017.10:g.60059559C>T; short protein forms D1269N.
Identifiers: ClinVar variation 2430666 (VCV002430666.2), dbSNP rs2509275382, ClinGen allele CA400502565.